The following is an entry in ClinVar:

ClinVar aggregate classification (germline): Likely benign. Review status: criteria provided, single submitter (1 of 4 stars). 2 submissions from 2 submitters: Likely benign (1). 1 of the submissions does not count toward it. Last evaluated 2024-11-11.

Conditions:
FBXW4-related disorder. Also called: FBXW4-related condition.

Allele frequency attached by ClinVar (database versions not stated): gnomAD exomes 0.00004; gnomAD 0.00005; ExAC 0.00006; TOPMed 0.00009.
gnomAD v4.1: 74 of 1,601,322 alleles (0.0046%); highest among the groups gnomAD compares: Admixed American, 0.054%; no homozygotes.

Submissions (2):

Labcorp Genetics (formerly Invitae), Labcorp
Classification: Likely benign. Last evaluated: 2024-11-11. Review status: criteria provided, single submitter. Criteria: Invitae Variant Classification Sherloc (09022015). Collection method: clinical testing. Allele origin: germline.

PreventionGenetics, part of Exact Sciences
Classification: Likely benign for FBXW4-related condition. Last evaluated: 2020-05-22. Review status: no assertion criteria provided. Collection method: clinical testing. Allele origin: germline. Not counted in ClinVar's aggregate classification.
Comment: This variant is classified as likely benign based on ACMG/AMP sequence variant interpretation guidelines (Richards et al. 2015 PMID: 25741868, with internal and published modifications).

NM_022039.4(FBXW4):c.1387C>T (p.Leu463=)

Gene: FBXW4 (F-box and WD repeat domain containing 4; minus strand). Cytogenetic location: 10q24.32.
Variant type: single nucleotide variant.
Coding change: c.1387C>T on transcript NM_022039.4 (MANE Select); coding-DNA position 1387, C replaced by T.
Protein change: p.Leu463=; no amino-acid change (leucine 463 retained).
Molecular consequence: synonymous variant. On other transcripts: non-coding transcript variant (1).
Genome position (GRCh38, 1-based): chr10:101,612,392, G>A on the plus strand (C>T on the coding strand, the complement: FBXW4 is on the minus strand). VCF-style: chr10-101612392-G-A. GRCh37 (hg19) VCF-style: chr10-103372149-G-A.
Other names: c.661C>T, p.Leu221= (NM_001323541.2); c.922C>T (NM_022039.3).
Identifiers: ClinVar variation 2182251 (VCV002182251.6), dbSNP rs759980303, ClinGen allele CA5657259.